The following is an entry in ClinVar:

ClinVar aggregate classification (germline): Benign/Likely benign. Review status: criteria provided, multiple submitters, no conflicts (2 of 4 stars). 2 submissions from 2 submitters: Benign (1); Likely benign (1). Last evaluated 2025-10-01.

Allele frequency attached by ClinVar (database versions not stated): 1000 Genomes Project 30x 0.00094; 1000 Genomes Project 0.00100; gnomAD 0.00105; ESP Exome Variant Server 0.00215; TOPMed 0.00221.
gnomAD v4.1: 3,465 of 1,598,266 alleles (0.22%); highest among the groups gnomAD compares: Non-Finnish European, 0.27%; 9 homozygotes.

Submissions (2):

CeGaT Center for Human Genetics Tuebingen
Classification: Benign. Last evaluated: 2025-10-01. Review status: criteria provided, single submitter. Criteria: CeGaT Center For Human Genetics Tuebingen Variant Classification Criteria Version 2. Collection method: clinical testing. Allele origin: germline. Affected: yes. Observed: 6 variant alleles.
Comment: AGO2: BS1, BS2

Labcorp Genetics (formerly Invitae), Labcorp
Classification: Likely benign. Last evaluated: 2018-08-15. Review status: criteria provided, single submitter. Criteria: Invitae Variant Classification Sherloc (09022015). Collection method: clinical testing. Allele origin: germline.

NM_012154.5(AGO2):c.1749-4G>A

Gene: AGO2 (argonaute RISC catalytic component 2; minus strand). Cytogenetic location: 8q24.3.
Variant type: single nucleotide variant.
Coding change: c.1749-4G>A on transcript NM_012154.5 (MANE Select); 4 bases into the intron before coding-DNA position 1749, G replaced by A.
Molecular consequence: intron variant.
Genome position (GRCh38, 1-based): chr8:140,544,307, C>T on the plus strand (G>A on the coding strand, the complement: AGO2 is on the minus strand). VCF-style: chr8-140544307-C-T. GRCh37 (hg19) VCF-style: chr8-141554406-C-T.
Other names: c.1749-4G>A (NM_001164623.3).
Identifiers: ClinVar variation 716646 (VCV000716646.27), dbSNP rs201214398, ClinGen allele CA4894305.
Genomic context (GRCh38, chr8:140,544,307, plus strand): 5'-GGGGGGTGAGTGACGTCTGCTCCCAGAAAGATGACGGGCTGCTGGAACACCGGCGGCCTG[C>T]GGAGAGGAGTGGCGTCAGGGGCCACGGTGAGACACGCCTGGACCTCTGACGCTAGTAGGT-3'